The following is an entry in ClinVar:

ClinVar aggregate classification (germline): Conflicting classifications of pathogenicity. Review status: criteria provided, conflicting classifications (1 of 4 stars). 5 submissions from 5 submitters: Uncertain significance (4); Benign (1). Last evaluated 2026-02-03.

Conditions:
Spondylocostal dysostosis 5 (SCDO5). Also called: SCOLIOSIS, CONGENITAL, WITH OR WITHOUT RIB ANOMALIES. Identifiers: MedGen C4083048, MONDO:0007389, OMIM 122600.
Fetal anomalies with a likely genetic cause.

Allele frequency attached by ClinVar (database versions not stated): gnomAD exomes 0.34659; gnomAD 0.40816 and 0.41483; TOPMed 0.41497; 1000 Genomes Project 30x 0.45893; 1000 Genomes Project 0.46206.

Submissions (5):

Genetics Laboratory, Great Ormond Street Hospital NHS Foundation Trust, North Thames Genomic Laboratory Hub
Classification: Uncertain significance for Fetal anomalies with a likely genetic cause. Last evaluated: 2026-02-03. Review status: criteria provided, single submitter. Criteria: ACGS Best Practice Guidelines for Variant Classification in Rare Disease 2024 v1.2. Collection method: clinical testing. Allele origin: germline. Affected: yes.
Comment: BA1_standalone, BP4_supporting, BP7_supporting

CeGaT Center for Human Genetics Tuebingen
Classification: Uncertain significance. Last evaluated: 2025-12-01. Review status: criteria provided, single submitter. Criteria: CeGaT Center For Human Genetics Tuebingen Variant Classification Criteria Version 2. Collection method: clinical testing. Allele origin: germline. Affected: yes. Observed: 1 variant allele.
Comment: TBX6: PM3, PM2:Supporting

Blueprint Genetics
Classification: Uncertain significance. Last evaluated: 2022-12-06. Review status: criteria provided, single submitter. Criteria: ACMG Guidelines, 2015. Collection method: clinical testing. Allele origin: germline.

Mendelics
Classification: Benign. Last evaluated: 2022-05-04. Review status: criteria provided, single submitter. Criteria: Mendelics Assertion Criteria 2019. Collection method: clinical testing. Allele origin: germline.

Laboratorio de Genetica e Diagnostico Molecular, Hospital Israelita Albert Einstein
Classification: Uncertain significance for Spondylocostal dysostosis 5. Last evaluated: 2021-02-18. Review status: criteria provided, single submitter. Criteria: ACMG Guidelines, 2015. Collection method: clinical testing. Allele origin: germline. Affected: yes.

NM_004608.4(TBX6):c.-49+34G>T

Gene: TBX6 (T-box transcription factor 6; minus strand). Cytogenetic location: 16p11.2.
Variant type: single nucleotide variant.
Coding change: c.-49+34G>T on transcript NM_004608.4 (MANE Select); 34 bases into the intron after 49 bases upstream of the start codon, G replaced by T.
Molecular consequence: intron variant.
Genome position (GRCh38, 1-based): chr16:30,091,839, C>A on the plus strand (G>T on the coding strand, the complement: TBX6 is on the minus strand). VCF-style: chr16-30091839-C-A. GRCh37 (hg19) VCF-style: chr16-30103160-C-A.
Identifiers: ClinVar variation 427809 (VCV000427809.11), dbSNP rs3809627, ClinGen allele CA14218129.